The following is an entry in ClinVar:

ClinVar aggregate classification (germline): Conflicting classifications of pathogenicity. Review status: criteria provided, conflicting classifications (1 of 4 stars). 6 submissions from 2 submitters: Uncertain significance (3); Benign (2). 1 of the submissions does not count toward it. Last evaluated 2018-01-13.

Conditions:
Primary dilated cardiomyopathy (DCM). Also called: Dilated Cardiomyopathy. Identifiers: Orphanet 217604, MedGen C0007193, MeSH D002311, MONDO:0005021, HP:0001644. Inheritance: Various modes of inheritance.
Myopathy, myofibrillar, 9, with early respiratory failure (MFM9). Also called: Myopathy, distal, with early respiratory failure, autosomal dominant; Hereditary myopathy with early respiratory failure; EDSTROM MYOPATHY; MYOPATHY, PROXIMAL, WITH EARLY RESPIRATORY MUSCLE INVOLVEMENT. Identifiers: Orphanet 178464, Orphanet 34521, MedGen C1863599, MONDO:0011362, OMIM 603689.
Tibial muscular dystrophy (TMD). Also called: Udd Distal Myopathy – Tibial Muscular Dystrophy; UDD MYOPATHY; Tibial muscular dystrophy, tardive. Identifiers: Orphanet 609, MedGen C1838244, MONDO:0010870, OMIM 600334.
Dilated cardiomyopathy 1G (CMD1G). Identifiers: Orphanet 154, MedGen C1858763, MONDO:0011400, OMIM 604145.
Early-onset myopathy with fatal cardiomyopathy (CMYO5). Also called: CONGENITAL MYOPATHY 5 WITH CARDIOMYOPATHY; Salih Myopathy. Identifiers: Orphanet 289377, MedGen C2673677, MONDO:0012714, OMIM 611705. Disease mechanism: loss of function.
Autosomal recessive limb-girdle muscular dystrophy type 2J (LGMDR10). Also called: MUSCULAR DYSTROPHY, LIMB-GIRDLE, AUTOSOMAL RECESSIVE 10; Limb-girdle muscular dystrophy, type 2J. Identifiers: Orphanet 140922, MedGen C1837342, MONDO:0012127, OMIM 608807.

Allele frequency attached by ClinVar (database versions not stated): ExAC 0.00003; gnomAD 0.00003 and 0.00004; gnomAD exomes 0.00003; TOPMed 0.00003.
gnomAD v4.1: 50 of 1,613,902 alleles (0.0031%); highest among the groups gnomAD compares: South Asian, 0.021%; no homozygotes.

Submissions (6):

Illumina Laboratory Services, Illumina
Classification: Uncertain significance for Autosomal recessive limb-girdle muscular dystrophy type 2J. Last evaluated: 2018-01-13. Review status: criteria provided, single submitter. Criteria: ICSL Variant Classification Criteria 13 December 2019. Collection method: clinical testing. Allele origin: germline.

Illumina Laboratory Services, Illumina
Classification: Uncertain significance for Early-onset myopathy with fatal cardiomyopathy. Last evaluated: 2018-01-13. Review status: criteria provided, single submitter. Criteria: ICSL Variant Classification Criteria 13 December 2019. Collection method: clinical testing. Allele origin: germline.

Illumina Laboratory Services, Illumina
Classification: Benign for Myopathy, myofibrillar, 9, with early respiratory failure. Last evaluated: 2018-01-13. Review status: criteria provided, single submitter. Criteria: ICSL Variant Classification Criteria 13 December 2019. Collection method: clinical testing. Allele origin: germline.
Comment: This variant was observed in the ICSL laboratory as part of a predisposition screen in an ostensibly healthy population. It had not been previously curated by ICSL or reported in the Human Gene Mutation Database (HGMD: prior to June 1st, 2018), and was therefore a candidate for classification through an automated scoring system. Utilizing variant allele frequency, disease prevalence and penetrance estimates, and inheritance mode, an automated score was calculated to assess if this variant is too frequent to cause the disease. Based on the score and internal cut-off values, a variant classified as benign is not then subjected to further curation. The score for this variant resulted in a classification of benign for this disease.

Illumina Laboratory Services, Illumina
Classification: Benign for Tibial muscular dystrophy. Last evaluated: 2018-01-13. Review status: criteria provided, single submitter. Criteria: ICSL Variant Classification Criteria 13 December 2019. Collection method: clinical testing. Allele origin: germline.
Comment: the same text as in the submission from Illumina Laboratory Services, Illumina above.

Illumina Laboratory Services, Illumina
Classification: Uncertain significance for Dilated cardiomyopathy 1G. Last evaluated: 2018-01-13. Review status: criteria provided, single submitter. Criteria: ICSL Variant Classification Criteria 13 December 2019. Collection method: clinical testing. Allele origin: germline.

Clinical Molecular Genetics Laboratory, Johns Hopkins All Children's Hospital
Classification: Uncertain significance for Dilated cardiomyopathy. Last evaluated: 2015-09-28. Review status: no assertion criteria provided. Collection method: clinical testing. Allele origin: germline. Affected: yes. Not counted in ClinVar's aggregate classification.

NM_001267550.2(TTN):c.6958C>T (p.Arg2320Cys)

Genes: TTN (titin; minus strand), LOC126806433 (BRD4-independent group 4 enhancer GRCh37_chr2:179638309-179639508; plus strand). Cytogenetic location: 2q31.2.
Variant type: single nucleotide variant.
Coding change: c.6958C>T on transcript NM_001267550.2 (MANE Select); coding-DNA position 6958, C replaced by T.
Protein change: p.Arg2320Cys; replaces arginine 2320 with cysteine.
Molecular consequence: missense variant.
Genome position (GRCh38, 1-based): chr2:178,774,306, G>A on the plus strand (C>T on the coding strand, the complement: TTN is on the minus strand). VCF-style: chr2-178774306-G-A. GRCh37 (hg19) VCF-style: chr2-179639033-G-A.
Other names: c.6958C>T, p.Arg2320Cys (NM_133378.4, NM_001256850.1, NM_133379.5); c.6820C>T, p.Arg2274Cys (NM_003319.4, NM_133432.3, NM_133437.4); short protein forms R2320C, R2274C.
Identifiers: ClinVar variation 332949 (VCV000332949.5), dbSNP rs776478343, ClinGen allele CA2004931.
Genomic context (GRCh38, chr2:178,774,306, plus strand): 5'-TGACAAAGCTGTATTCTCCCTGGTCCTCCTTGGTTACATCCTTGACCGTGAGGTTCTGAC[G>A]TCCACGACGAGATGTAATTGTATATTTGCCATTGGATTTAAGCTCCACATCATTATGATA-3'
Protein context (NP_001254479.2, residues 2310-2330): GKYTITSRRG[Arg2320Cys]QNLTVKDVTK